The following is an entry in ClinVar:

ClinVar aggregate classification (germline): Uncertain significance (1 of 4 stars; one submission).

Conditions:
Spinocerebellar ataxia, autosomal recessive, with axonal neuropathy 2 (SCAN2). Also called: Ataxia-ocular apraxia-2; ATAXIA-OCULOMOTOR APRAXIA 2; Ataxia with Oculomotor Apraxia; Ataxia with Oculomotor Apraxia Type 2. Identifiers: Orphanet 64753, MedGen C1853761, MONDO:0018996, OMIM 606002.
Amyotrophic lateral sclerosis type 4 (ALS4). Also called: AMYOTROPHIC LATERAL SCLEROSIS 4, JUVENILE; NEURONOPATHY, DISTAL HEREDITARY MOTOR, WITH PYRAMIDAL FEATURES. Identifiers: Orphanet 357043, MedGen C1865409, MONDO:0011223, OMIM 602433.

gnomAD v4.1: 1 of 1,613,780 alleles (0.000062%); highest among the groups gnomAD compares: Non-Finnish European, 0.000085%; no homozygotes.

Submission:

Labcorp Genetics (formerly Invitae), Labcorp
Classification: Uncertain significance for Amyotrophic lateral sclerosis type 4; Spinocerebellar ataxia, autosomal recessive, with axonal neuropathy 2. Last evaluated: 2024-07-01. Review status: criteria provided, single submitter. Criteria: Invitae Variant Classification Sherloc (09022015). Collection method: clinical testing. Allele origin: germline.
Comment: This sequence change replaces glutamine, which is neutral and polar, with histidine, which is basic and polar, at codon 2078 of the SETX protein (p.Gln2078His). This variant is not present in population databases (gnomAD no frequency). This variant has not been reported in the literature in individuals affected with SETX-related conditions. Advanced modeling of protein sequence and biophysical properties (such as structural, functional, and spatial information, amino acid conservation, physicochemical variation, residue mobility, and thermodynamic stability) performed at Invitae indicates that this missense variant is not expected to disrupt SETX protein function with a negative predictive value of 95%. In summary, the available evidence is currently insufficient to determine the role of this variant in disease. Therefore, it has been classified as a Variant of Uncertain Significance.

NM_015046.7(SETX):c.6234G>C (p.Gln2078His)

Gene: SETX (senataxin; minus strand). Cytogenetic location: 9q34.13.
Variant type: single nucleotide variant.
Coding change: c.6234G>C on transcript NM_015046.7 (MANE Select); coding-DNA position 6234, G replaced by C.
Protein change: p.Gln2078His; replaces glutamine 2078 with histidine.
Molecular consequence: missense variant.
Genome position (GRCh38, 1-based): chr9:132,288,326, C>G on the plus strand (G>C on the coding strand, the complement: SETX is on the minus strand). VCF-style: chr9-132288326-C-G. GRCh37 (hg19) VCF-style: chr9-135163713-C-G.
Other names: c.6234G>C, p.Gln2078His (NM_001351527.2, NM_001351528.2); short protein forms Q2078H.
Identifiers: ClinVar variation 3761872 (VCV003761872.2).